The following is an entry in ClinVar:

ClinVar aggregate classification (germline): Uncertain significance (1 of 4 stars; one submission).

Submission:

Labcorp Genetics (formerly Invitae), Labcorp
Classification: Uncertain significance. Last evaluated: 2023-06-05. Review status: criteria provided, single submitter. Criteria: Invitae Variant Classification Sherloc (09022015). Collection method: clinical testing. Allele origin: germline.
Comment: This sequence change replaces proline, which is neutral and non-polar, with arginine, which is basic and polar, at codon 738 of the CYFIP2 protein (p.Pro738Arg). In summary, the available evidence is currently insufficient to determine the role of this variant in disease. Therefore, it has been classified as a Variant of Uncertain Significance. Experimental studies and prediction algorithms are not available or were not evaluated, and the functional significance of this variant is currently unknown. This variant has not been reported in the literature in individuals affected with CYFIP2-related conditions. This variant is not present in population databases (gnomAD no frequency).

NM_001037333.3(CYFIP2):c.2213C>G (p.Pro738Arg)

Gene: CYFIP2 (cytoplasmic FMR1 interacting protein 2; plus strand). Cytogenetic location: 5q33.3.
Variant type: single nucleotide variant.
Coding change: c.2213C>G on transcript NM_001037333.3 (MANE Select); coding-DNA position 2213, C replaced by G.
Protein change: p.Pro738Arg; replaces proline 738 with arginine.
Molecular consequence: missense variant.
Genome position (GRCh38, 1-based): chr5:157,330,798, C>G. VCF-style: chr5-157330798-C-G. GRCh37 (hg19) VCF-style: chr5-156757806-C-G.
Other names: c.2135C>G, p.Pro712Arg (NM_001291721.2); c.2288C>G, p.Pro763Arg (NM_001291722.2); c.2213C>G, p.Pro738Arg (NM_014376.4); short protein forms P738R, P712R, P763R.
Identifiers: ClinVar variation 2769763 (VCV002769763.3), dbSNP rs367713994, ClinGen allele CA361970974.